The following is an entry in ClinVar:

NM_006947.4(SRP72):c.1813G>C (p.Ala605Pro)

Gene: SRP72 (signal recognition particle 72; plus strand). Cytogenetic location: 4q12.
Variant type: single nucleotide variant.
Coding change: c.1813G>C on transcript NM_006947.4 (MANE Select); coding-DNA position 1813, G replaced by C.
Protein change: p.Ala605Pro; replaces alanine 605 with proline.
Molecular consequence: missense variant. On other transcripts: non-coding transcript variant (1).
Genome position (GRCh38, 1-based): chr4:56,500,670, G>C. VCF-style: chr4-56500670-G-C. GRCh37 (hg19) VCF-style: chr4-57366836-G-C.
Other names: c.1630G>C, p.Ala544Pro (NM_001267722.2); short protein forms A605P, A544P.
Identifiers: ClinVar variation 4174913 (VCV004174913.1).

ClinVar aggregate classification (germline): Uncertain significance (1 of 4 stars; one submission).

Submission:

Ambry Genetics
Classification: Uncertain significance. Last evaluated: 2025-06-30. Review status: criteria provided, single submitter. Criteria: Ambry Variant Classification Scheme 2023. Collection method: clinical testing. Allele origin: germline.
Comment: The p.A605P variant (also known as c.1813G>C), located in coding exon 18 of the SRP72 gene, results from a G to C substitution at nucleotide position 1813. The alanine at codon 605 is replaced by proline, an amino acid with highly similar properties. This amino acid position is conserved. In addition, the in silico prediction for this alteration is inconclusive. Based on the available evidence, the clinical significance of this variant remains unclear.